The following is an entry in ClinVar:

ClinVar aggregate classification (germline): Uncertain significance (1 of 4 stars; one submission).

Conditions:
Charcot-Marie-Tooth disease type 4. Also called: Charcot-Marie-Tooth, Type 4; Charcot-Marie-Tooth disease, type IV. Identifiers: Orphanet 64749, MedGen C4082197, MONDO:0018995.

gnomAD v4.1: 1 of 1,609,458 alleles (0.000062%); highest among the groups gnomAD compares: South Asian, 0.0011%; no homozygotes.

Submission:

Labcorp Genetics (formerly Invitae), Labcorp
Classification: Uncertain significance for Charcot-Marie-Tooth disease type 4. Last evaluated: 2020-03-20. Review status: criteria provided, single submitter. Criteria: Invitae Variant Classification Sherloc (09022015). Collection method: clinical testing. Allele origin: germline.
Comment: This sequence change replaces serine with cysteine at codon 546 of the SBF2 protein (p.Ser546Cys). The serine residue is highly conserved and there is a moderate physicochemical difference between serine and cysteine. In summary, the available evidence is currently insufficient to determine the role of this variant in disease. Therefore, it has been classified as a Variant of Uncertain Significance. Algorithms developed to predict the effect of missense changes on protein structure and function are either unavailable or do not agree on the potential impact of this missense change (SIFT: "Deleterious"; PolyPhen-2: "Probably Damaging"; Align-GVGD: "Class C0"). This variant has not been reported in the literature in individuals with SBF2-related conditions. This variant is not present in population databases (ExAC no frequency).

NM_030962.4(SBF2):c.1636A>T (p.Ser546Cys)

Gene: SBF2 (SET binding factor 2; minus strand). Cytogenetic location: 11p15.4.
Variant type: single nucleotide variant.
Coding change: c.1636A>T on transcript NM_030962.4 (MANE Select); coding-DNA position 1636, A replaced by T.
Protein change: p.Ser546Cys; replaces serine 546 with cysteine.
Molecular consequence: missense variant.
Genome position (GRCh38, 1-based): chr11:9,963,847, T>A on the plus strand (A>T on the coding strand, the complement: SBF2 is on the minus strand). VCF-style: chr11-9963847-T-A. GRCh37 (hg19) VCF-style: chr11-9985394-T-A.
Other names: c.1636A>T, p.Ser546Cys (NM_001386339.1); c.1507A>T, p.Ser503Cys (NM_001386342.1); short protein forms S503C, S546C.
Identifiers: ClinVar variation 1059904 (VCV001059904.9), dbSNP rs2134369489, ClinGen allele CA379645017.